The following is an entry in ClinVar:

ClinVar aggregate classification (germline): Benign. Review status: criteria provided, multiple submitters, no conflicts (2 of 4 stars). 4 submissions from 4 submitters: Benign (4). Last evaluated 2026-01-15.

Conditions:
AHDC1-related intellectual disability - obstructive sleep apnea - mild dysmorphism syndrome. Also called: Xia-Gibbs syndrome. Identifiers: Orphanet 412069, MedGen C4014419, MONDO:0014358, OMIM 615829.

Allele frequency attached by ClinVar (database versions not stated): gnomAD exomes 0.00021 and 0.00069; ExAC 0.00086; ESP Exome Variant Server 0.00192; gnomAD 0.00239 and 0.00253; TOPMed 0.00251; 1000 Genomes Project 0.00399; 1000 Genomes Project 30x 0.00422.
gnomAD v4.1: 688 of 1,613,016 alleles (0.043%); highest among the groups gnomAD compares: African/African-American, 0.83%; 5 homozygotes.

Submissions (4):

Labcorp Genetics (formerly Invitae), Labcorp
Classification: Benign. Last evaluated: 2026-01-15. Review status: criteria provided, single submitter. Criteria: Invitae Variant Classification Sherloc (09022015). Collection method: clinical testing. Allele origin: germline.

CeGaT Center for Human Genetics Tuebingen
Classification: Benign. Last evaluated: 2025-05-01. Review status: criteria provided, single submitter. Criteria: CeGaT Center For Human Genetics Tuebingen Variant Classification Criteria Version 2. Collection method: clinical testing. Allele origin: germline. Affected: yes. Observed: 3 variant alleles.
Comment: AHDC1: BS1, BS2

Genome-Nilou Lab
Classification: Benign for AHDC1-related intellectual disability - obstructive sleep apnea - mild dysmorphism syndrome. Last evaluated: 2021-12-05. Review status: criteria provided, single submitter. Criteria: ACMG Guidelines, 2015. Collection method: clinical testing. Allele origin: germline. Affected: no.

GeneDx
Classification: Benign. Last evaluated: 2020-12-04. Review status: criteria provided, single submitter. Criteria: GeneDx Variant Classification Process June 2021. Collection method: clinical testing. Allele origin: germline. Affected: yes.

NM_001371928.1(AHDC1):c.470C>T (p.Ala157Val)

Gene: AHDC1 (AT-hook DNA binding motif containing 1; minus strand). Cytogenetic location: 1p36.11.
Variant type: single nucleotide variant.
Coding change: c.470C>T on transcript NM_001371928.1 (MANE Select); coding-DNA position 470, C replaced by T.
Protein change: p.Ala157Val; replaces alanine 157 with valine.
Molecular consequence: missense variant.
Genome position (GRCh38, 1-based): chr1:27,551,646, G>A on the plus strand (C>T on the coding strand, the complement: AHDC1 is on the minus strand). VCF-style: chr1-27551646-G-A. GRCh37 (hg19) VCF-style: chr1-27878157-G-A.
Other names: c.470C>T, p.Ala157Val (NM_001029882.3); c.470C>T (NM_001029882.2); short protein forms A157V.
Identifiers: ClinVar variation 733872 (VCV000733872.37), dbSNP rs146915829, ClinGen allele CA716149.